The following is an entry in ClinVar:

NM_006218.4(PIK3CA):c.3155C>A (p.Thr1052Lys)

Gene: PIK3CA (phosphatidylinositol-4,5-bisphosphate 3-kinase catalytic subunit alpha; plus strand). Cytogenetic location: 3q26.32.
Variant type: single nucleotide variant.
Coding change: c.3155C>A on transcript NM_006218.4 (MANE Select); coding-DNA position 3155, C replaced by A.
Protein change: p.Thr1052Lys; replaces threonine 1052 with lysine.
Molecular consequence: missense variant.
Genome position (GRCh38, 1-based): chr3:179,234,312, C>A. VCF-style: chr3-179234312-C-A. GRCh37 (hg19) VCF-style: chr3-178952100-C-A.
Other names: short protein forms T1052K.
Identifiers: ClinVar variation 4292889 (VCV004292889.3).

ClinVar aggregate classification (germline): Conflicting classifications of pathogenicity. Review status: criteria provided, conflicting classifications (1 of 4 stars). 2 submissions from 2 submitters: Likely pathogenic (1); Uncertain significance (1). Last evaluated 2024-09-20.
ClinVar aggregate classification (oncogenicity): Uncertain significance (1 of 4 stars; one submission).

Conditions:
PIK3CA-related disorder. Also called: PIK3CA-related condition; PIK3CA-related disorders; PIK3CA- related disease.
Neoplasm. Also called: Neoplasms; Neoplasm (disease); tumor. Identifiers: MedGen C0027651, MeSH D009369, MONDO:0005070, HP:0002664.

Submissions (3):

Center for Genomic Medicine, Rigshospitalet, Copenhagen University Hospital
Classification: Uncertain significance for Neoplasm. Last evaluated: 2026-10-16. Review status: criteria provided, single submitter. Criteria: ClinGen/CGC/VICC Guidelines for Oncogenicity, 2022. Collection method: clinical testing. Allele origin: somatic. Affected: yes.

3billion
Classification: Likely pathogenic for PIK3CA-related disorder. Last evaluated: 2024-09-20. Review status: criteria provided, single submitter. Criteria: ACMG Guidelines, 2015. Collection method: clinical testing. Allele origin: germline. Affected: yes.
Comment: The variant is not observed in the gnomAD v4.0.0 dataset. Predicted Consequence/Location: Missense variant. Missense changes are a common disease-causing mechanism.The variant is located in a mutational hot spot and/or well-established functional domain in which established pathogenic variants have been reported. In silico tool predictions suggest damaging effect of the variant on gene or gene product [3Cnet: 0.78 (>=0.6, sensitivity 0.72 and precision 0.9)]. Therefore, this variant is classified as Likely pathogenic according to the recommendation of ACMG/AMP guideline.

Blueprint Genetics
Classification: Uncertain significance. Last evaluated: 2021-02-22. Review status: criteria provided, single submitter. Criteria: ACMG Guidelines, 2015. Collection method: clinical testing. Allele origin: germline.